The following is an entry in ClinVar:

ClinVar aggregate classification (germline): Benign/Likely benign. Review status: criteria provided, multiple submitters, no conflicts (2 of 4 stars). 3 submissions from 3 submitters: Benign (1); Likely benign (2). Last evaluated 2025-05-18.

Conditions:
Hereditary cancer-predisposing syndrome. Also called: Tumor predisposition; Neoplastic Syndromes, Hereditary; Hereditary Cancer Syndrome; Hereditary neoplastic syndrome. Identifiers: Orphanet 140162, MedGen C0027672, MeSH D009386, MONDO:0015356.
Hereditary leiomyomatosis and renal cell cancer. Also called: FH tumor predisposition syndrome; MULTIPLE CUTANEOUS AND UTERINE LEIOMYOMATA 1, WITH OR WITHOUT RENAL CELL CARCINOMA; LEIOMYOMA, MULTIPLE CUTANEOUS; Reed syndrome; Multiple cutaneous and uterine leiomyomatosis; Cutaneous leiomyomata with uterine leiomyomata. Identifiers: Orphanet 523, MedGen C1708350, MONDO:0007888, OMIM 150800, HP:0007437. Disease mechanism: loss of function.

Allele frequency attached by ClinVar (database versions not stated): gnomAD exomes below 0.00001; TOPMed below 0.00001; ExAC 0.00001.

Submissions (3):

Labcorp Genetics (formerly Invitae), Labcorp
Classification: Likely benign. Last evaluated: 2025-05-18. Review status: criteria provided, single submitter. Criteria: Invitae Variant Classification Sherloc (09022015). Collection method: clinical testing. Allele origin: germline.

Myriad Genetics, Inc.
Classification: Benign for Hereditary leiomyomatosis and renal cell cancer. Last evaluated: 2024-10-18. Review status: criteria provided, single submitter. Criteria: Myriad Autosomal Dominant, Autosomal Recessive and X-Linked Classification Criteria (2023). Collection method: clinical testing. Allele origin: unknown.
Comment: This variant is considered benign. This variant is a silent/synonymous amino acid change and it is not expected to impact splicing.

Ambry Genetics
Classification: Likely benign for Hereditary cancer-predisposing syndrome. Last evaluated: 2021-04-05. Review status: criteria provided, single submitter. Criteria: Ambry Variant Classification Scheme 2023. Collection method: clinical testing. Allele origin: germline.

NM_000143.4(FH):c.852T>C (p.Asn284=)

Gene: FH (fumarate hydratase; minus strand). Cytogenetic location: 1q43.
Variant type: single nucleotide variant.
Coding change: c.852T>C on transcript NM_000143.4 (MANE Select); coding-DNA position 852, T replaced by C.
Protein change: p.Asn284=; no amino-acid change (asparagine 284 retained).
Molecular consequence: synonymous variant.
Genome position (GRCh38, 1-based): chr1:241,506,055, A>G on the plus strand (T>C on the coding strand, the complement: FH is on the minus strand). VCF-style: chr1-241506055-A-G. GRCh37 (hg19) VCF-style: chr1-241669355-A-G.
Identifiers: ClinVar variation 1577178 (VCV001577178.11), dbSNP rs759596203, ClinGen allele CA1478600.